The following is an entry in ClinVar:

ClinVar aggregate classification (germline): Uncertain significance (1 of 4 stars; one submission).

Submission:

GeneDx
Classification: Uncertain significance. Last evaluated: 2022-01-20. Review status: criteria provided, single submitter. Criteria: GeneDx Variant Classification Process June 2021. Collection method: clinical testing. Allele origin: germline. Affected: yes.
Comment: Not observed at significant frequency in large population cohorts (gnomAD); In silico analysis supports that this missense variant has a deleterious effect on protein structure/function; Has not been previously published as pathogenic or benign to our knowledge

NM_002739.5(PRKCG):c.155G>T (p.Cys52Phe)

Gene: PRKCG (protein kinase C gamma; plus strand). Cytogenetic location: 19q13.42.
Variant type: single nucleotide variant.
Coding change: c.155G>T on transcript NM_002739.5 (MANE Select); coding-DNA position 155, G replaced by T.
Protein change: p.Cys52Phe; replaces cysteine 52 with phenylalanine.
Molecular consequence: missense variant.
Genome position (GRCh38, 1-based): chr19:53,882,649, G>T. VCF-style: chr19-53882649-G-T. GRCh37 (hg19) VCF-style: chr19-54385903-G-T.
Other names: c.155G>T, p.Cys52Phe (NM_001316329.2); short protein forms C52F.
Identifiers: ClinVar variation 1338905 (VCV001338905.2), dbSNP rs2068601518, ClinGen allele CA407412242.